The following is an entry in ClinVar:

NM_182914.3(SYNE2):c.20462G>A (p.Arg6821Gln)

Gene: SYNE2 (spectrin repeat containing nuclear envelope protein 2; plus strand). Cytogenetic location: 14q23.2.
Variant type: single nucleotide variant.
Coding change: c.20462G>A on transcript NM_182914.3 (MANE Select); coding-DNA position 20462, G replaced by A.
Protein change: p.Arg6821Gln; replaces arginine 6821 with glutamine.
Molecular consequence: missense variant.
Genome position (GRCh38, 1-based): chr14:64,224,540, G>A. VCF-style: chr14-64224540-G-A. GRCh37 (hg19) VCF-style: chr14-64691258-G-A.
Other names: c.20393G>A, p.Arg6798Gln (NM_015180.6); c.1028G>A, p.Arg343Gln (NM_182910.2); c.1406G>A, p.Arg469Gln (NM_182913.4); short protein forms R6821Q, R469Q, R343Q, R6798Q.
Identifiers: ClinVar variation 313665 (VCV000313665.14), dbSNP rs148791608, ClinGen allele CA7224870.

ClinVar aggregate classification (germline): Conflicting classifications of pathogenicity. Review status: criteria provided, conflicting classifications (1 of 4 stars). 4 submissions from 4 submitters: Uncertain significance (1); Benign (1); Likely benign (2). Last evaluated 2025-07-02.

Conditions:
Emery-Dreifuss muscular dystrophy 5, autosomal dominant (EDMD5). Also called: EMERY-DREIFUSS MUSCULAR DYSTROPHY 5. Identifiers: Orphanet 261, MedGen C2751805, MONDO:0013072, OMIM 612999.

Allele frequency attached by ClinVar (database versions not stated): gnomAD 0.00009 and 0.00011; TOPMed 0.00009; ExAC 0.00011; gnomAD exomes 0.00011; ESP Exome Variant Server 0.00031.
gnomAD v4.1: 119 of 1,613,908 alleles (0.0074%); highest among the groups gnomAD compares: African/African-American, 0.008%; no homozygotes.

Submissions (4):

Labcorp Genetics (formerly Invitae), Labcorp
Classification: Uncertain significance for Emery-Dreifuss muscular dystrophy 5, autosomal dominant. Last evaluated: 2025-07-02. Review status: criteria provided, single submitter. Criteria: Invitae Variant Classification Sherloc (09022015). Collection method: clinical testing. Allele origin: germline.
Comment: This sequence change replaces arginine, which is basic and polar, with glutamine, which is neutral and polar, at codon 6821 of the SYNE2 protein (p.Arg6821Gln). This variant is present in population databases (rs148791608, gnomAD 0.05%), and has an allele count higher than expected for a pathogenic variant. This variant has not been reported in the literature in individuals affected with SYNE2-related conditions. ClinVar contains an entry for this variant (Variation ID: 313665). An algorithm developed to predict the effect of missense changes on protein structure and function outputs the following: PolyPhen-2: "Benign". The glutamine amino acid residue is found in multiple mammalian species, which suggests that this missense change does not adversely affect protein function. In summary, the available evidence is currently insufficient to determine the role of this variant in disease. Therefore, it has been classified as a Variant of Uncertain Significance.

Blueprint Genetics
Classification: Likely benign. Last evaluated: 2024-05-31. Review status: criteria provided, single submitter. Criteria: ACMG Guidelines, 2015. Collection method: clinical testing. Allele origin: germline.

Ambry Genetics
Classification: Likely benign. Last evaluated: 2021-10-13. Review status: criteria provided, single submitter. Criteria: Ambry Variant Classification Scheme 2023. Collection method: clinical testing. Allele origin: germline.

Illumina Laboratory Services, Illumina
Classification: Benign for Emery-Dreifuss muscular dystrophy 5, autosomal dominant. Last evaluated: 2018-01-13. Review status: criteria provided, single submitter. Criteria: ICSL Variant Classification Criteria 13 December 2019. Collection method: clinical testing. Allele origin: germline.
Comment: This variant was observed in the ICSL laboratory as part of a predisposition screen in an ostensibly healthy population. It had not been previously curated by ICSL or reported in the Human Gene Mutation Database (HGMD: prior to June 1st, 2018), and was therefore a candidate for classification through an automated scoring system. Utilizing variant allele frequency, disease prevalence and penetrance estimates, and inheritance mode, an automated score was calculated to assess if this variant is too frequent to cause the disease. Based on the score and internal cut-off values, a variant classified as benign is not then subjected to further curation. The score for this variant resulted in a classification of benign for this disease.